The following is an entry in ClinVar:

ClinVar aggregate classification (germline): Uncertain significance (1 of 4 stars; one submission).

gnomAD v4.1: 17 of 1,613,170 alleles (0.0011%); highest among the groups gnomAD compares: Admixed American, 0.005%; no homozygotes.

Submission:

Dasa
Classification: Uncertain significance. Last evaluated: 2025-11-28. Review status: criteria provided, single submitter. Criteria: DASA Assertion Criteria. Collection method: clinical testing. Allele origin: germline.
Comment: NM_001394998.1(TANC2):c.500G>A (p.Arg167His) is a missense variant that results in the substitution of arginine with histidine. This variant is rare in population databases. The currently available literature and clinical evidence are not sufficient to establish a definitive association between this variant and the reported condition. Therefore, this variant is classified as a variant of uncertain significance.

NM_001394998.1(TANC2):c.500G>A (p.Arg167His)

Gene: TANC2 (tetratricopeptide repeat, ankyrin repeat and coiled-coil containing 2; plus strand). Cytogenetic location: 17q23.3.
Variant type: single nucleotide variant.
Coding change: c.500G>A on transcript NM_001394998.1 (MANE Select); coding-DNA position 500, G replaced by A.
Protein change: p.Arg167His; replaces arginine 167 with histidine.
Molecular consequence: missense variant.
Genome position (GRCh38, 1-based): chr17:63,194,057, G>A. VCF-style: chr17-63194057-G-A. GRCh37 (hg19) VCF-style: chr17-61271418-G-A.
Other names: c.278G>A, p.Arg93His (NM_001411076.1, NM_025185.4); short protein forms R167H, R93H.
Identifiers: ClinVar variation 5020783 (VCV005020783.1).